The following is an entry in ClinVar:

ClinVar aggregate classification (germline): Uncertain significance. Review status: criteria provided, multiple submitters, no conflicts (2 of 4 stars). 2 submissions from 2 submitters: Uncertain significance (2). Last evaluated 2023-05-04.

gnomAD v4.1: 9 of 1,614,162 alleles (0.00056%); highest among the groups gnomAD compares: Non-Finnish European, 0.00068%; no homozygotes.

Submissions (2):

Blueprint Genetics
Classification: Uncertain significance. Last evaluated: 2023-05-04. Review status: criteria provided, single submitter. Criteria: ACMG Guidelines, 2015. Collection method: clinical testing. Allele origin: germline.

Labcorp Genetics (formerly Invitae), Labcorp
Classification: Uncertain significance. Last evaluated: 2022-10-31. Review status: criteria provided, single submitter. Criteria: Invitae Variant Classification Sherloc (09022015). Collection method: clinical testing. Allele origin: germline.
Comment: This sequence change replaces arginine, which is basic and polar, with cysteine, which is neutral and slightly polar, at codon 317 of the PITPNM3 protein (p.Arg317Cys). This variant is not present in population databases (gnomAD no frequency). This variant has not been reported in the literature in individuals affected with PITPNM3-related conditions. Advanced modeling of protein sequence and biophysical properties (such as structural, functional, and spatial information, amino acid conservation, physicochemical variation, residue mobility, and thermodynamic stability) performed at Invitae indicates that this missense variant is not expected to disrupt PITPNM3 protein function. In summary, the available evidence is currently insufficient to determine the role of this variant in disease. Therefore, it has been classified as a Variant of Uncertain Significance.

NM_031220.4(PITPNM3):c.949C>T (p.Arg317Cys)

Gene: PITPNM3 (PITPNM family member 3; minus strand). Cytogenetic location: 17p13.2.
Variant type: single nucleotide variant.
Coding change: c.949C>T on transcript NM_031220.4 (MANE Select); coding-DNA position 949, C replaced by T.
Protein change: p.Arg317Cys; replaces arginine 317 with cysteine.
Molecular consequence: missense variant.
Genome position (GRCh38, 1-based): chr17:6,477,165, G>A on the plus strand (C>T on the coding strand, the complement: PITPNM3 is on the minus strand). VCF-style: chr17-6477165-G-A. GRCh37 (hg19) VCF-style: chr17-6380485-G-A.
Other names: c.841C>T, p.Arg281Cys (NM_001165966.2); short protein forms R281C, R317C.
Identifiers: ClinVar variation 2095437 (VCV002095437.5), dbSNP rs952574166, ClinGen allele CA397407458.